The following is an entry in ClinVar:

ClinVar aggregate classification (germline): Likely benign. Review status: criteria provided, multiple submitters, no conflicts (2 of 4 stars). 4 submissions from 4 submitters: Likely benign (3). 1 of the submissions does not count toward it. Last evaluated 2026-01-01.

Conditions:
H6PD-related disorder. Also called: H6PD-related condition.

Allele frequency attached by ClinVar (database versions not stated): gnomAD 0.00180 and 0.00194; ESP Exome Variant Server 0.00208; TOPMed 0.00219; gnomAD exomes 0.00243; 1000 Genomes Project 0.00300; 1000 Genomes Project 30x 0.00312; ExAC 0.00318.
gnomAD v4.1: 3,880 of 1,603,262 alleles (0.24%); highest among the groups gnomAD compares: Middle Eastern, 1.3%; 14 homozygotes.

Submissions (4):

Labcorp Genetics (formerly Invitae), Labcorp
Classification: Likely benign. Last evaluated: 2026-01-01. Review status: criteria provided, single submitter. Criteria: Invitae Variant Classification Sherloc (09022015). Collection method: clinical testing. Allele origin: germline.

GeneDx
Classification: Likely benign. Last evaluated: 2019-01-24. Review status: criteria provided, single submitter. Criteria: GeneDx Variant Classification Process June 2021. Collection method: clinical testing. Allele origin: germline. Affected: yes.

Breakthrough Genomics
Classification: Likely benign. Review status: criteria provided, single submitter. Criteria: ACMG Guidelines, 2015. Collection method: not provided. Allele origin: germline. Inheritance: Autosomal recessive inheritance. Affected: yes.

PreventionGenetics, part of Exact Sciences
Classification: Benign for H6PD-related condition. Last evaluated: 2020-01-21. Review status: no assertion criteria provided. Collection method: clinical testing. Allele origin: germline. Not counted in ClinVar's aggregate classification.
Comment: This variant is classified as benign based on ACMG/AMP sequence variant interpretation guidelines (Richards et al. 2015 PMID: 25741868, with internal and published modifications).

NM_004285.4(H6PD):c.1004C>T (p.Pro335Leu)

Gene: H6PD (hexose-6-phosphate dehydrogenase/glucose 1-dehydrogenase; plus strand). Cytogenetic location: 1p36.22.
Variant type: single nucleotide variant.
Coding change: c.1004C>T on transcript NM_004285.4 (MANE Select); coding-DNA position 1004, C replaced by T.
Protein change: p.Pro335Leu; replaces proline 335 with leucine.
Molecular consequence: missense variant.
Genome position (GRCh38, 1-based): chr1:9,262,317, C>T. VCF-style: chr1-9262317-C-T. GRCh37 (hg19) VCF-style: chr1-9322376-C-T.
Other names: c.1037C>T, p.Pro346Leu (NM_001282587.2); short protein forms P335L, P346L.
Identifiers: ClinVar variation 773105 (VCV000773105.16), dbSNP rs140631516, ClinGen allele CA575143.
Genomic context (GRCh38, chr1:9,262,317, plus strand): 5'-CTTACAGTGAGCAGGTGCGCAGAGAGCTGCAGAAGCCAGACAGCTTCCACAGCCTGACGC[C>T]GACCTTCGCAGGTGGGCCCTGGGGCTGGGCATGGGGCACTGGGCTGCCCACTTCGCCGGG-3'
Protein context (NP_004276.2, residues 325-345): QKPDSFHSLT[Pro335Leu]TFAAVLVHID